The following is an entry in ClinVar:

NM_000208.4(INSR):c.2793G>A (p.Ala931=)

Gene: INSR (insulin receptor; minus strand). Cytogenetic location: 19p13.2.
Variant type: single nucleotide variant.
Coding change: c.2793G>A on transcript NM_000208.4 (MANE Select); coding-DNA position 2793, G replaced by A.
Protein change: p.Ala931=; no amino-acid change (alanine 931 retained).
Molecular consequence: synonymous variant.
Genome position (GRCh38, 1-based): chr19:7,132,207, C>T on the plus strand (G>A on the coding strand, the complement: INSR is on the minus strand). VCF-style: chr19-7132207-C-T. GRCh37 (hg19) VCF-style: chr19-7132218-C-T.
Other names: c.2757G>A, p.Ala919= (NM_001079817.3).
Identifiers: ClinVar variation 739582 (VCV000739582.18), dbSNP rs111502197, ClinGen allele CA9135451.
Genomic context (GRCh38, chr19:7,132,207, plus strand): 5'-TGGAGACTTACAATAGTCTGTCACGTAGAAATAGGTGGGTTCCGTCCAAGAGCCGTTGCC[C>T]GCAAGGGAGGTGGCCCGGATTCGCACGCTGTAGTTCCCCGGTGACAGCCCACGCAGCCTG-3'
Protein context (NP_000199.2, residues 921-941): YSVRIRATSL[Ala931=]GNGSWTEPTY

ClinVar aggregate classification (germline): Conflicting classifications of pathogenicity. Review status: criteria provided, conflicting classifications (1 of 4 stars). 7 submissions from 5 submitters: Uncertain significance (4); Likely benign (3). Last evaluated 2025-09-10.

Conditions:
INSR-related disorder.
Leprechaunism syndrome. Also called: LEPRECHAUNISM; Donohue syndrome. Identifiers: Orphanet 508, MedGen C0265344, MONDO:0009517, OMIM 246200.
Rabson-Mendenhall syndrome. Also called: MENDENHALL SYNDROME; Pineal hyperplasia AND diabetes mellitus syndrome; Pineal Hyperplasia, Insulin-Resistant Diabetes Mellitus, and Somatic Abnormalities. Identifiers: Orphanet 769, MedGen C0271695, MONDO:0009874, OMIM 262190.
Hyperinsulinism due to INSR deficiency. Also called: Hyperinsulinism due to glutamodehydrogenase deficiency. Identifiers: Orphanet 263458, MedGen C1864952, MONDO:0012381, OMIM 609968.
Insulin-resistant diabetes mellitus AND acanthosis nigricans. Also called: INSULIN RECEPTOR, DEFECT IN, WITH INSULIN-RESISTANT DIABETES MELLITUS AND ACANTHOSIS NIGRICANS; IRAN, TYPE A; type A insulin resistance; DIABETES MELLITUS, INSULIN-RESISTANT, WITH ACANTHOSIS NIGRICANS, TYPE A; Insulin-resistance syndrome type A. Identifiers: Orphanet 2297, MedGen C0342278, MONDO:0012520, OMIM 610549.

Allele frequency attached by ClinVar (database versions not stated): gnomAD exomes 0.00010 and 0.00020; 1000 Genomes Project 0.00020; ExAC 0.00024; 1000 Genomes Project 30x 0.00031; gnomAD 0.00086 and 0.00088; TOPMed 0.00103; ESP Exome Variant Server 0.00123.
gnomAD v4.1: 298 of 1,614,184 alleles (0.018%); highest among the groups gnomAD compares: African/African-American, 0.33%; 2 homozygotes.

Submissions (8):

Labcorp Genetics (formerly Invitae), Labcorp
Classification: Likely benign. Last evaluated: 2025-09-10. Review status: criteria provided, single submitter. Criteria: Invitae Variant Classification Sherloc (09022015). Collection method: clinical testing. Allele origin: germline.

PreventionGenetics, part of Exact Sciences
Classification: Likely benign for INSR-related condition. Last evaluated: 2024-12-18. Review status: criteria provided, single submitter. Criteria: ACMG Guidelines, 2015. Collection method: clinical testing. Allele origin: germline.
Comment: This variant is classified as likely benign based on ACMG/AMP sequence variant interpretation guidelines (Richards et al. 2015 PMID: 25741868, with internal and published modifications).

Genetic Services Laboratory, University of Chicago
Classification: Uncertain significance. Last evaluated: 2021-02-03. Review status: criteria provided, single submitter. Criteria: ACMG Guidelines, 2015. Collection method: clinical testing. Allele origin: germline. Affected: no.

Illumina Laboratory Services, Illumina
Classification: Uncertain significance for Leprechaunism syndrome. Last evaluated: 2018-01-13. Review status: criteria provided, single submitter. Criteria: ICSL Variant Classification Criteria 13 December 2019. Collection method: clinical testing. Allele origin: germline.

Illumina Laboratory Services, Illumina
Classification: Uncertain significance for Rabson-Mendenhall syndrome. Last evaluated: 2018-01-13. Review status: criteria provided, single submitter. Criteria: ICSL Variant Classification Criteria 13 December 2019. Collection method: clinical testing. Allele origin: germline.

Illumina Laboratory Services, Illumina
Classification: Uncertain significance for Insulin-resistant diabetes mellitus AND acanthosis nigricans. Last evaluated: 2018-01-13. Review status: criteria provided, single submitter. Criteria: ICSL Variant Classification Criteria 13 December 2019. Collection method: clinical testing. Allele origin: germline.

Clinical Genomics, Uppaluri K&H Personalized Medicine Clinic
Classification: Likely benign for Hyperinsulinism due to INSR deficiency. Review status: criteria provided, single submitter. Criteria: K And H Uppaluri Personalized Medicine Clinic Variant Classification And Assertion Criteria Updated V 2. Collection method: research. Allele origin: unknown. Inheritance: Autosomal dominant inheritance.
Comment: Potent mutations in INSR gene can lead to insulin resistance, which presents as impaired glucose tolerance, early onset type 2 diabetes, post prandial hyperglycemia and increased insulin requirement in type 1 diabetes. These mutations in INSR gene can also predispose to coronary artery disease, metabolic syndrome, polycystic ovarian disease and non alcoholic fatty liver disease.However, the role of this particular variant rs111502197 with early onset diabetes mellitus is yet to be ascertained.

Dr. Peter K. Rogan Lab, Western University
No classification provided (evidence only). Condition: Clear cell carcinoma of kidney. Review status: no classification provided. Collection method: in vitro. Allele origin: not applicable. Functional consequence: retained intron. Not counted in ClinVar's aggregate classification.

Literature cited by the submitters: PubMed 35000900 (cited by Clinical Genomics, Uppaluri K&H Personalized Medicine Clinic); PubMed 31989990 (cited by Clinical Genomics, Uppaluri K&H Personalized Medicine Clinic); PubMed 23705494 (cited by Clinical Genomics, Uppaluri K&H Personalized Medicine Clinic).